The following is an entry in ClinVar:

ClinVar aggregate classification (germline): Pathogenic (1 of 4 stars; one submission).

Allele frequency attached by ClinVar (database versions not stated): gnomAD exomes below 0.00001.
gnomAD v4.1: 1 of 1,614,194 alleles (0.000062%); highest among the groups gnomAD compares: Non-Finnish European, 0.000085%; no homozygotes.

Submission:

Labcorp Genetics (formerly Invitae), Labcorp
Classification: Pathogenic. Last evaluated: 2022-04-14. Review status: criteria provided, single submitter. Criteria: Invitae Variant Classification Sherloc (09022015). Collection method: clinical testing. Allele origin: germline.
Comment: This variant is not present in population databases (gnomAD no frequency). For these reasons, this variant has been classified as Pathogenic. ClinVar contains an entry for this variant (Variation ID: 950527). This variant has not been reported in the literature in individuals affected with COL27A1-related conditions. This sequence change creates a premature translational stop signal (p.Gln354*) in the COL27A1 gene. It is expected to result in an absent or disrupted protein product. Loss-of-function variants in COL27A1 are known to be pathogenic (PMID: 24986830, 28276056).

Literature cited by the submitters: PubMed 24986830; PubMed 28276056.

NM_032888.4(COL27A1):c.1060C>T (p.Gln354Ter)

Gene: COL27A1 (collagen type XXVII alpha 1 chain; plus strand). Cytogenetic location: 9q32.
Variant type: single nucleotide variant.
Coding change: c.1060C>T on transcript NM_032888.4 (MANE Select); coding-DNA position 1060, C replaced by T.
Protein change: p.Gln354Ter; replaces glutamine 354 with a stop codon.
Molecular consequence: nonsense.
Genome position (GRCh38, 1-based): chr9:114,168,615, C>T. VCF-style: chr9-114168615-C-T. GRCh37 (hg19) VCF-style: chr9-116930895-C-T.
Other names: short protein forms Q354*.
Identifiers: ClinVar variation 950527 (VCV000950527.7), dbSNP rs1849075301, ClinGen allele CA374593267.